The following is an entry in ClinVar:

ClinVar aggregate classification (germline): Uncertain significance (1 of 4 stars; one submission).

Submission:

GeneDx
Classification: Uncertain significance. Last evaluated: 2022-07-17. Review status: criteria provided, single submitter. Criteria: GeneDx Variant Classification Process June 2021. Collection method: clinical testing. Allele origin: germline. Affected: yes.
Comment: Not observed at significant frequency in large population cohorts (gnomAD); In silico analysis supports that this missense variant does not alter protein structure/function; Has not been previously published as pathogenic or benign to our knowledge

NM_000038.6(APC):c.2924A>G (p.Lys975Arg)

Gene: APC (APC regulator of WNT signaling pathway; plus strand). Cytogenetic location: 5q22.2.
Variant type: single nucleotide variant.
Coding change: c.2924A>G on transcript NM_000038.6 (MANE Select); coding-DNA position 2924, A replaced by G.
Protein change: p.Lys975Arg; replaces lysine 975 with arginine.
Molecular consequence: missense variant.
Genome position (GRCh38, 1-based): chr5:112,838,518, A>G. VCF-style: chr5-112838518-A-G. GRCh37 (hg19) VCF-style: chr5-112174215-A-G.
Other names: c.2924A>G, p.Lys975Arg (NM_001127510.3, NM_001354895.2, NM_001407450.1); c.2870A>G, p.Lys957Arg (NM_001127511.3); c.2978A>G, p.Lys993Arg (NM_001354896.2, NM_001407447.1, NM_001407448.1 and 1 more transcripts); c.2954A>G, p.Lys985Arg (NM_001354897.2); c.2849A>G, p.Lys950Arg (NM_001354898.2); c.2840A>G, p.Lys947Arg (NM_001354899.2); c.2801A>G, p.Lys934Arg (NM_001354900.2); c.2747A>G, p.Lys916Arg (NM_001354901.2, NM_001407453.1); and 11 more; short protein forms K1003R, K846R, K892R, K934R, K950R, K957R, K968R, K591R.
Identifiers: ClinVar variation 2136209 (VCV002136209.1), dbSNP rs1765296512, ClinGen allele CA16027719.